The following is an entry in ClinVar:

ClinVar aggregate classification (germline): Uncertain significance. Review status: criteria provided, single submitter (1 of 4 stars). 2 submissions from 2 submitters: Uncertain significance (1). 1 of the submissions does not count toward it.

Conditions:
Microcornea, rod-cone dystrophy, cataract, and posterior staphyloma 1. Identifiers: MedGen C5436769, MONDO:0033644, OMIM 619082.

Allele frequency attached by ClinVar (database versions not stated): TOPMed 0.00015; 1000 Genomes Project 30x 0.00016; 1000 Genomes Project 0.00020.

Submissions (2):

Juno Genomics, Hangzhou Juno Genomics, Inc
Classification: Uncertain significance for Microcornea, rod-cone dystrophy, cataract, and posterior staphyloma 1. Review status: criteria provided, single submitter. Criteria: ACMG Guidelines, 2015. Collection method: clinical testing. Allele origin: germline.
Comment: Co-segregation with disease in multiple affected family members.;Well-established in vitro or in vivo functional studies supportive of a damaging effect on the gene or gene product.

OMIM
Classification: Pathogenic for MICROCORNEA, ROD-CONE DYSTROPHY, CATARACT, AND POSTERIOR STAPHYLOMA 1 (1 family). Last evaluated: 2021-10-13. Review status: no assertion criteria provided. Collection method: literature only. Allele origin: germline. Not counted in ClinVar's aggregate classification.

Literature cited by the submitters: PubMed 30945270 (cited by OMIM).

NM_001667.4(ARL2):c.44G>T (p.Arg15Leu)

Genes: ARL2 (ARF like GTPase 2; plus strand), ARL2-SNX15 (ARL2-SNX15 readthrough (NMD candidate); plus strand), LOC130005983 (ATAC-STARR-seq lymphoblastoid silent region 3504; plus strand). Cytogenetic location: 11q13.1.
Variant type: single nucleotide variant.
Coding change: c.44G>T on transcript NM_001667.4 (MANE Select); coding-DNA position 44, G replaced by T.
Protein change: p.Arg15Leu; replaces arginine 15 with leucine.
Molecular consequence: missense variant. On other transcripts: non-coding transcript variant (1).
Genome position (GRCh38, 1-based): chr11:65,014,251, G>T. VCF-style: chr11-65014251-G-T. GRCh37 (hg19) VCF-style: chr11-64781723-G-T.
Other names: c.44G>T, p.Arg15Leu (NM_001199745.2); short protein forms R15L.
Identifiers: ClinVar variation 983502 (VCV000983502.8), dbSNP rs184873330, ClinGen allele CA6087854.